The following is an entry in ClinVar:

ClinVar aggregate classification (germline): Pathogenic (1 of 4 stars; one submission).

Conditions:
Alagille syndrome due to a JAG1 point mutation. Also called: Alagille Syndrome 1; HEPATIC DUCTULAR HYPOPLASIA, SYNDROMATIC; JAG1-Related Alagille Syndrome. Identifiers: Orphanet 261619, Orphanet 52, MedGen C1956125, MONDO:0016862, OMIM 118450.

Submission:

Labcorp Genetics (formerly Invitae), Labcorp
Classification: Pathogenic for Alagille syndrome due to a JAG1 point mutation. Last evaluated: 2023-08-01. Review status: criteria provided, single submitter. Criteria: Invitae Variant Classification Sherloc (09022015). Collection method: clinical testing. Allele origin: germline.
Comment: This variant is not present in population databases (gnomAD no frequency). This sequence change creates a premature translational stop signal (p.Asp1020Argfs*5) in the JAG1 gene. It is expected to result in an absent or disrupted protein product. Loss-of-function variants in JAG1 are known to be pathogenic (PMID: 11180599). This variant has not been reported in the literature in individuals affected with JAG1-related conditions. For these reasons, this variant has been classified as Pathogenic.

Literature cited by the submitters: PubMed 11180599.

NM_000214.3(JAG1):c.3057dup (p.Asp1020fs)

Gene: JAG1 (jagged canonical Notch ligand 1; minus strand). Cytogenetic location: 20p12.2.
Variant type: Duplication.
Coding change: c.3057dup on transcript NM_000214.3 (MANE Select); coding-DNA position 3057, one base duplicated (A; older notation c.3057dupA).
Protein change: p.Asp1020fs; shifts the reading frame from aspartic acid 1020.
Molecular consequence: frameshift variant.
Genome position (GRCh38, 1-based): chr20:10,640,925, T duplicated on the plus strand (A on the coding strand, the reverse complement: JAG1 is on the minus strand); the first of 2 consecutive T bases (chr20:10,640,925-10,640,926); duplicating either gives the same sequence. VCF-style (leftmost placement, unchanged base first): chr20-10640924-C-CT. GRCh37 (hg19) VCF-style: chr20-10621572-C-CT.
Other names: short protein forms D1020fs.
Identifiers: ClinVar variation 2749099 (VCV002749099.3), dbSNP rs2514507971, ClinGen allele CA2697547299.
Genomic context (GRCh38, chr20:10,640,924, plus strand): 5'-TAACAAGATCGATTATTTTGTCAGTGATTTCCTTGATCGGGTTCCCATCATCCCGTATAT[C>CT]TTCAGCAGACTGGAAAAACAATTGTCAGACTTGAGAGTCAGAGGAATACTCAAAGCAGCC-3'